The following is an entry in ClinVar:

NM_000273.3(GPR143):c.356G>A (p.Ser119Asn)

Gene: GPR143 (G protein-coupled receptor 143; minus strand). Cytogenetic location: Xp22.2.
Variant type: single nucleotide variant.
Coding change: c.356G>A on transcript NM_000273.3 (MANE Select); coding-DNA position 356, G replaced by A.
Protein change: p.Ser119Asn; replaces serine 119 with asparagine.
Molecular consequence: missense variant.
Genome position (GRCh38, 1-based): chrX:9,760,721, C>T on the plus strand (G>A on the coding strand, the complement: GPR143 is on the minus strand). VCF-style: chrX-9760721-C-T. GRCh37 (hg19) VCF-style: chrX-9728761-C-T.
Other names: c.356G>A (NM_000273.2); short protein forms S119N.
Identifiers: ClinVar variation 1413559 (VCV001413559.10), dbSNP rs150915415, ClinGen allele CA10345054.

ClinVar aggregate classification (germline): Uncertain significance. Review status: criteria provided, multiple submitters, no conflicts (2 of 4 stars). 3 submissions from 3 submitters: Uncertain significance (3). Last evaluated 2025-12-17.

Conditions:
Inborn genetic diseases. Identifiers: MedGen C0950123, MeSH D030342.

Allele frequency attached by ClinVar (database versions not stated): gnomAD exomes 0.00001 and 0.00005; ExAC 0.00014; gnomAD 0.00017 and 0.00019; TOPMed 0.00021; ESP Exome Variant Server 0.00028.
gnomAD v4.1: 31 of 1,140,358 alleles (0.0027%); highest among the groups gnomAD compares: African/African-American, 0.056%; no homozygotes.

Submissions (3):

Labcorp Genetics (formerly Invitae), Labcorp
Classification: Uncertain significance. Last evaluated: 2025-12-17. Review status: criteria provided, single submitter. Criteria: Invitae Variant Classification Sherloc (09022015). Collection method: clinical testing. Allele origin: germline.
Comment: This sequence change replaces serine, which is neutral and polar, with asparagine, which is neutral and polar, at codon 119 of the GPR143 protein (p.Ser119Asn). This variant is present in population databases (rs150915415, gnomAD 0.05%). This variant has not been reported in the literature in individuals affected with GPR143-related conditions. ClinVar contains an entry for this variant (Variation ID: 1413559). Invitae Evidence Modeling of protein sequence and biophysical properties (such as structural, functional, and spatial information, amino acid conservation, physicochemical variation, residue mobility, and thermodynamic stability) has been performed for this missense variant. However, the output from this modeling did not meet the statistical confidence thresholds required to predict the impact of this variant on GPR143 protein function. In summary, the available evidence is currently insufficient to determine the role of this variant in disease. Therefore, it has been classified as a Variant of Uncertain Significance.

Blueprint Genetics
Classification: Uncertain significance. Last evaluated: 2022-03-14. Review status: criteria provided, single submitter. Criteria: ACMG Guidelines, 2015. Collection method: clinical testing. Allele origin: germline.

Ambry Genetics
Classification: Uncertain significance for Inborn genetic diseases. Last evaluated: 2021-10-27. Review status: criteria provided, single submitter. Criteria: Ambry Variant Classification Scheme 2023. Collection method: clinical testing. Allele origin: germline.